The following is an entry in ClinVar:

NM_000501.4(ELN):c.2104G>C (p.Gly702Arg)

Gene: ELN (elastin; plus strand). Cytogenetic location: 7q11.23.
Variant type: single nucleotide variant.
Coding change: c.2104G>C on transcript NM_000501.4 (MANE Select); coding-DNA position 2104, G replaced by C.
Protein change: p.Gly702Arg; replaces glycine 702 with arginine.
Molecular consequence: missense variant.
Genome position (GRCh38, 1-based): chr7:74,066,749, G>C. VCF-style: chr7-74066749-G-C. GRCh37 (hg19) VCF-style: chr7-73481079-G-C.
Other names: c.1963G>C, p.Gly655Arg (NM_001081752.3); c.2008G>C, p.Gly670Arg (NM_001081753.3); c.2065G>C, p.Gly689Arg (NM_001081754.3); c.2047G>C, p.Gly683Arg (NM_001081755.3); c.2050G>C, p.Gly684Arg (NM_001278912.2); c.1861G>C, p.Gly621Arg (NM_001278913.2); c.2032G>C, p.Gly678Arg (NM_001278914.2); c.2122G>C, p.Gly708Arg (NM_001278915.2); and 5 more; short protein forms G621R, G683R, G684R, G692R, G708R, G655R, G670R, G702R.
Identifiers: ClinVar variation 2719275 (VCV002719275.4), dbSNP rs782346568, ClinGen allele CA4293394.

ClinVar aggregate classification (germline): Uncertain significance. Review status: criteria provided, multiple submitters, no conflicts (2 of 4 stars). 2 submissions from 2 submitters: Uncertain significance (2). Last evaluated 2025-10-27.

Conditions:
Inborn genetic diseases. Identifiers: MedGen C0950123, MeSH D030342.
Supravalvar aortic stenosis (SVAS). Also called: Supravalvar aortic stenosis, Eisenberg type. Identifiers: Orphanet 3193, MedGen C0003499, MONDO:0008504, OMIM 185500, HP:0004381.

Allele frequency attached by ClinVar (database versions not stated): ExAC 0.00002; gnomAD 0.00006.
gnomAD v4.1: 28 of 1,613,600 alleles (0.0017%); highest among the groups gnomAD compares: African/African-American, 0.031%; no homozygotes.

Submissions (2):

Labcorp Genetics (formerly Invitae), Labcorp
Classification: Uncertain significance for Supravalvar aortic stenosis. Last evaluated: 2025-10-27. Review status: criteria provided, single submitter. Criteria: Invitae Variant Classification Sherloc (09022015). Collection method: clinical testing. Allele origin: germline.
Comment: This sequence change replaces glycine, which is neutral and non-polar, with arginine, which is basic and polar, at codon 764 of the ELN protein (p.Gly764Arg). This variant is present in population databases (rs782346568, gnomAD 0.02%). This variant has not been reported in the literature in individuals affected with ELN-related conditions. ClinVar contains an entry for this variant (Variation ID: 2719275). Invitae Evidence Modeling of protein sequence and biophysical properties (such as structural, functional, and spatial information, amino acid conservation, physicochemical variation, residue mobility, and thermodynamic stability) indicates that this missense variant is not expected to disrupt ELN protein function with a negative predictive value of 80%. In summary, the available evidence is currently insufficient to determine the role of this variant in disease. Therefore, it has been classified as a Variant of Uncertain Significance.

Ambry Genetics
Classification: Uncertain significance for Inborn genetic diseases. Last evaluated: 2025-10-18. Review status: criteria provided, single submitter. Criteria: Ambry Variant Classification Scheme 2023. Collection method: clinical testing. Allele origin: germline.